The following is an entry in ClinVar:

ClinVar aggregate classification (germline): Likely benign (1 of 4 stars; one submission).

Conditions:
SEMA3D-related disorder. Also called: SEMA3D-related condition.

Submission:

PreventionGenetics, part of Exact Sciences
Classification: Likely benign for SEMA3D-related condition. Last evaluated: 2026-09-23. Review status: criteria provided, single submitter. Criteria: ACMG Guidelines, 2015. Collection method: clinical testing. Allele origin: germline.
Comment: This variant is classified as likely benign based on ACMG/AMP sequence variant interpretation guidelines (Richards et al. 2015 PMID: 25741868, with internal and published modifications).

NM_001384900.1(SEMA3D):c.139C>T (p.Leu47=)

Gene: SEMA3D (semaphorin 3D; minus strand). Cytogenetic location: 7q21.11.
Variant type: single nucleotide variant.
Coding change: c.139C>T on transcript NM_001384900.1 (MANE Select); coding-DNA position 139, C replaced by T.
Protein change: p.Leu47=; no amino-acid change (leucine 47 retained).
Molecular consequence: synonymous variant.
Genome position (GRCh38, 1-based): chr7:85,121,753, G>A on the plus strand (C>T on the coding strand, the complement: SEMA3D is on the minus strand). VCF-style: chr7-85121753-G-A. GRCh37 (hg19) VCF-style: chr7-84751069-G-A.
Other names: c.139C>T, p.Leu47= (NM_001384901.1, NM_001384902.1, NM_001384903.1 and 1 more transcripts).
Identifiers: ClinVar variation 4992758 (VCV004992758.1).
Genomic context (GRCh38, chr7:85,121,753, plus strand): 5'-ACATTTCAAAATCTTAATAAACAATTTAGAAAATATGTATATATTTACCTTTGTAGGTTA[G>A]CTTGAGTCTTGGAATATTTTGCTTCAAAGTGCCAGTGACTGGAAGAAACAACATGGTCAT-3'
Protein context (NP_001371829.1, residues 37-57): TLKQNIPRLK[Leu47=]TYKDLLLSNS